The following is an entry in ClinVar:

NM_017636.4(TRPM4):c.3324T>A (p.His1108Gln)

Gene: TRPM4 (transient receptor potential cation channel subfamily M member 4; plus strand). Cytogenetic location: 19q13.33.
Variant type: single nucleotide variant.
Coding change: c.3324T>A on transcript NM_017636.4 (MANE Select); coding-DNA position 3324, T replaced by A.
Protein change: p.His1108Gln; replaces histidine 1108 with glutamine.
Molecular consequence: missense variant.
Genome position (GRCh38, 1-based): chr19:49,210,401, T>A. VCF-style: chr19-49210401-T-A. GRCh37 (hg19) VCF-style: chr19-49713658-T-A.
Other names: c.2889T>A, p.His963Gln (NM_001195227.2); c.2979T>A, p.His993Gln (NM_001321281.2); c.1716T>A, p.His572Gln (NM_001321282.2); c.2802T>A, p.His934Gln (NM_001321283.2); c.2262T>A, p.His754Gln (NM_001321285.2); short protein forms H572Q, H993Q, H1108Q, H754Q, H963Q, H934Q.
Identifiers: ClinVar variation 4742044 (VCV004742044.1).

ClinVar aggregate classification (germline): Uncertain significance (1 of 4 stars; one submission).

Conditions:
Progressive familial heart block type IB (PFHB1B). Identifiers: Orphanet 871, MedGen C1970298, MONDO:0011474, OMIM 604559.

gnomAD v4.1: 1 of 1,613,376 alleles (0.000062%); highest among the groups gnomAD compares: Admixed American, 0.0017%; no homozygotes.

Submission:

Labcorp Genetics (formerly Invitae), Labcorp
Classification: Uncertain significance for Progressive familial heart block type IB. Last evaluated: 2025-11-22. Review status: criteria provided, single submitter. Criteria: Invitae Variant Classification Sherloc (09022015). Collection method: clinical testing. Allele origin: germline.
Comment: This sequence change replaces histidine, which is basic and polar, with glutamine, which is neutral and polar, at codon 1108 of the TRPM4 protein (p.His1108Gln). This variant is not present in population databases (gnomAD no frequency). This variant has not been reported in the literature in individuals affected with TRPM4-related conditions. An algorithm developed to predict the effect of missense changes on protein structure and function (PolyPhen-2) suggests that this variant is likely to be disruptive. In summary, the available evidence is currently insufficient to determine the role of this variant in disease. Therefore, it has been classified as a Variant of Uncertain Significance.